The following is an entry in ClinVar:

ClinVar aggregate classification (germline): Benign. Review status: criteria provided, multiple submitters, no conflicts (2 of 4 stars). 3 submissions from 3 submitters: Benign (3). Last evaluated 2023-11-12.

Allele frequency attached by ClinVar (database versions not stated): gnomAD exomes 0.04162; ExAC 0.04956; gnomAD 0.05213 and 0.05350; ESP Exome Variant Server 0.05336; 1000 Genomes Project 0.05351; 1000 Genomes Project 30x 0.05590; TOPMed 0.05799.
gnomAD v4.1: 59,455 of 1,610,534 alleles (3.7%); highest among the groups gnomAD compares: African/African-American, 9.2%; 1,473 homozygotes.

Submissions (3):

Unidad de Genómica Garrahan, Hospital de Pediatría Garrahan
Classification: Benign. Last evaluated: 2023-11-12. Review status: criteria provided, single submitter. Criteria: ACMG Guidelines, 2015. Collection method: clinical testing. Allele origin: germline. Affected: no. Observed: 20 variant alleles.
Comment: This variant is classified as Benign based on local population frequency. This variant was detected in 21% of patients studied by a panel of primary immunodeficiencies. Number of patients: 20. Only high quality variants are reported.

GeneDx
Classification: Benign. Last evaluated: 2018-06-23. Review status: criteria provided, single submitter. Criteria: GeneDx Variant Classification Process June 2021. Collection method: clinical testing. Allele origin: germline. Affected: yes.

Breakthrough Genomics
Classification: Benign. Review status: criteria provided, single submitter. Criteria: ACMG Guidelines, 2015. Collection method: not provided. Allele origin: germline. Inheritance: Autosomal recessive inheritance. Affected: yes.

NM_203447.4(DOCK8):c.741+28A>T

Gene: DOCK8 (dedicator of cytokinesis 8; plus strand). Cytogenetic location: 9p24.3.
Variant type: single nucleotide variant.
Coding change: c.741+28A>T on transcript NM_203447.4 (MANE Select); 28 bases into the intron after coding-DNA position 741, A replaced by T.
Molecular consequence: intron variant.
Genome position (GRCh38, 1-based): chr9:312,194, A>T. VCF-style: chr9-312194-A-T. GRCh37 (hg19) VCF-style: chr9-312194-A-T.
Other names: c.537+28A>T (NM_001193536.2, NM_001190458.2).
Identifiers: ClinVar variation 1260353 (VCV001260353.5), dbSNP rs12344468, ClinGen allele CA4957386.